The following is an entry in ClinVar:

ClinVar aggregate classification (germline): Likely pathogenic (1 of 4 stars; one submission).

Conditions:
Intellectual disability, autosomal dominant 9 (NESCAVS). Also called: KIF1A-Related Neurodevelopmental Disorder; NESCAV SYNDROME. Identifiers: Orphanet 662367, MedGen C5393830, MONDO:0013656, OMIM 614255.

Allele frequency attached by ClinVar (database versions not stated): gnomAD 0.00001.

Submission:

Lifecell International Pvt. Ltd
Classification: Likely pathogenic for Intellectual disability, autosomal dominant 9. Review status: criteria provided, single submitter. Criteria: ACMG Guidelines, 2015. Collection method: clinical testing. Allele origin: germline. Inheritance: Autosomal dominant inheritance. Affected: yes. Observed: 1 heterozygote.
Comment: A Heterozygous Frameshift variant c.3708delA in Exon 36 of the KIF1A gene that results in the amino acid substitution p.Pro1237fs*14 was identified. The observed variant is novel in gnomAD exomes and genomes. The severity of the impact of this variant on the protein is high, based on the effect of the protein and REVEL score. Rare Exome Variant Ensemble Learner (REVEL) is an ensembl method for predicting the pathogenicity of missense variants based on a combination of scores from 13 individual tools: MutPred, FATHMM v2.3, VEST 3.0, PolyPhen-2, SIFT, PROVEAN, MutationAssessor, MutationTaster, LRT, GERP++, SiPhy, phyloP, and phastCons. The REVEL score for an individual missense variant can range from 0 to 1, with higher scores reflecting greater likelihood that the variant is disease-causing. For these reasons, this variant has been classified as Likely Pathogenic.

NM_001244008.2(KIF1A):c.3901+498del

Genes: KIF1A (kinesin family member 1A; minus strand), LOC126806583 (P300/CBP strongly-dependent group 1 enhancer GRCh37_chr2:241678910-241680109; plus strand). Cytogenetic location: 2q37.3.
Variant type: Deletion.
Coding change: c.3901+498del on transcript NM_001244008.2 (MANE Select); 498 bases into the intron after coding-DNA position 3901, one base deleted (A; older notation c.3901+498delA).
Molecular consequence: intron variant. On other transcripts: frameshift variant (2).
Genome position (GRCh38, 1-based): chr2:240,739,560, T deleted on the plus strand (A on the coding strand, the reverse complement: KIF1A is on the minus strand). VCF-style (leftmost placement, unchanged base first): chr2-240739559-GT-G. GRCh37 (hg19) VCF-style: chr2-241678976-GT-G.
Other names: c.3976+498del (NM_001379631.1); c.3598+498del (NM_001379651.1, NM_001379653.1, NM_001379650.1 and 4 more transcripts); c.3708del, p.Pro1237fs (NM_001379636.1); c.3874+498del (NM_001379645.1, NM_001379633.1, NM_001379642.1); c.3700+498del (NM_001379635.1, NM_001330290.2, NM_001379646.1 and 1 more transcripts); c.3595+498del (NM_001379640.1); c.3850+498del (NM_001379632.1); c.3673+498del (NM_001379637.1, NM_001379648.1); and 2 more; short protein forms P1237fs.
Identifiers: ClinVar variation 2502869 (VCV002502869.1), dbSNP rs2047717398, ClinGen allele CA1044071922.
Genomic context (GRCh38, chr2:240,739,559, plus strand): 5'-AAACTGAGTAAAGATGCAGTCAACCCTGGAGCAGGATGGGCCTCTAATCCAACCTGCCTG[GT>G]GTCCTTAGGAGAAAGGGCCACAGGAAGACACAGGACAGGAGAAGCCTGCGAAAATGCAGT-3'